The following is an entry in ClinVar:

NM_003793.4(CTSF):c.611C>T (p.Ala204Val)

Gene: CTSF (cathepsin F; minus strand). Cytogenetic location: 11q13.2.
Variant type: single nucleotide variant.
Coding change: c.611C>T on transcript NM_003793.4 (MANE Select); coding-DNA position 611, C replaced by T.
Protein change: p.Ala204Val; replaces alanine 204 with valine.
Molecular consequence: missense variant.
Genome position (GRCh38, 1-based): chr11:66,566,401, G>A on the plus strand (C>T on the coding strand, the complement: CTSF is on the minus strand). VCF-style: chr11-66566401-G-A. GRCh37 (hg19) VCF-style: chr11-66333872-G-A.
Other names: short protein forms A204V.
Identifiers: ClinVar variation 1751718 (VCV001751718.2), dbSNP rs537387648, ClinGen allele CA6125501.

ClinVar aggregate classification (germline): Uncertain significance (1 of 4 stars; one submission).

Conditions:
Inborn genetic diseases. Identifiers: MedGen C0950123, MeSH D030342.

Allele frequency attached by ClinVar (database versions not stated): gnomAD 0.00001; ExAC 0.00010; 1000 Genomes Project 30x 0.00016; 1000 Genomes Project 0.00020.
gnomAD v4.1: 35 of 1,613,920 alleles (0.0022%); highest among the groups gnomAD compares: South Asian, 0.038%; 1 homozygote.

Submission:

Ambry Genetics
Classification: Uncertain significance for Inborn genetic diseases. Last evaluated: 2018-01-29. Review status: criteria provided, single submitter. Criteria: Ambry Variant Classification Scheme 2023. Collection method: clinical testing. Allele origin: germline.
Comment: The p.A204V variant (also known as c.611C>T), located in coding exon 5 of the CTSF gene, results from a C to T substitution at nucleotide position 611. The alanine at codon 204 is replaced by valine, an amino acid with similar properties. This amino acid position is not well conserved in available vertebrate species. In addition, the in silico prediction for this alteration is inconclusive. Since supporting evidence is limited at this time, the clinical significance of this alteration remains unclear.